The following is an entry in ClinVar:

ClinVar aggregate classification (germline): Likely benign (0 of 4 stars; one submission).

Conditions:
DNAJC21-related disorder. Also called: DNAJC21-related condition.

Submission:

PreventionGenetics, part of Exact Sciences
Classification: Likely benign for DNAJC21-related condition. Last evaluated: 2022-12-26. Review status: no assertion criteria provided. Collection method: clinical testing. Allele origin: germline.
Comment: This variant is classified as likely benign based on ACMG/AMP sequence variant interpretation guidelines (Richards et al. 2015 PMID: 25741868, with internal and published modifications).

NM_001012339.3(DNAJC21):c.1428A>G (p.Gln476=)

Gene: DNAJC21 (DnaJ heat shock protein family (Hsp40) member C21; plus strand). Cytogenetic location: 5p13.2.
Variant type: single nucleotide variant.
Coding change: c.1428A>G on transcript NM_001012339.3 (MANE Select); coding-DNA position 1428, A replaced by G.
Protein change: p.Gln476=; no amino-acid change (glutamine 476 retained).
Molecular consequence: synonymous variant.
Genome position (GRCh38, 1-based): chr5:34,953,995, A>G. VCF-style: chr5-34953995-A-G. GRCh37 (hg19) VCF-style: chr5-34954100-A-G.
Other names: c.1467A>G, p.Gln489= (NM_001348420.2); c.1563A>G, p.Gln521= (NM_194283.4).
Identifiers: ClinVar variation 3044397 (VCV003044397.2), dbSNP rs2480673524, ClinGen allele CA443888213.